The following is an entry in ClinVar:

ClinVar aggregate classification (germline): Benign/Likely benign. Review status: criteria provided, multiple submitters, no conflicts (2 of 4 stars). 4 submissions from 4 submitters: Benign (1); Likely benign (3). Last evaluated 2026-01-25.

Conditions:
Atypical hemolytic-uremic syndrome with I factor anomaly. Also called: HEMOLYTIC UREMIC SYNDROME, ATYPICAL, SUSCEPTIBILITY TO, 3; AHUS, SUSCEPTIBILITY TO, 3. Identifiers: Orphanet 2134, MedGen C2752039, MONDO:0013041, OMIM 612923.
Age related macular degeneration 13. Identifiers: MedGen C3809523, MONDO:0014189, OMIM 615439.
Factor I deficiency (CFID). Also called: Complement factor I deficiency. Identifiers: Orphanet 200418, MedGen C3463916, MONDO:0012594, OMIM 610984.

Submissions (4):

Labcorp Genetics (formerly Invitae), Labcorp
Classification: Benign. Last evaluated: 2026-01-25. Review status: criteria provided, single submitter. Criteria: Invitae Variant Classification Sherloc (09022015). Collection method: clinical testing. Allele origin: germline.

Mayo Clinic Laboratories, Mayo Clinic
Classification: Likely benign. Last evaluated: 2025-04-09. Review status: criteria provided, single submitter. Criteria: ACMG Guidelines, 2015. Collection method: clinical testing. Allele origin: germline. Observed: 2 variant alleles.
Comment: BP4, BP7

Blueprint Genetics
Classification: Likely benign. Last evaluated: 2022-07-15. Review status: criteria provided, single submitter. Criteria: ACMG Guidelines, 2015. Collection method: clinical testing. Allele origin: germline.

Fulgent Genetics
Classification: Likely benign for Factor I deficiency; Atypical hemolytic-uremic syndrome with I factor anomaly; Age related macular degeneration 13. Last evaluated: 2021-12-10. Review status: criteria provided, single submitter. Criteria: ACMG Guidelines, 2015. Collection method: clinical testing. Allele origin: unknown.

NM_000204.5(CFI):c.329-14dup

Gene: CFI (complement factor I; minus strand). Cytogenetic location: 4q25.
Variant type: Duplication.
Coding change: c.329-14dup on transcript NM_000204.5 (MANE Select); 14 bases into the intron before coding-DNA position 329, one base duplicated (T; older notation c.329-14dupT).
Molecular consequence: intron variant.
Genome position (GRCh38, 1-based): chr4:109,764,698, A duplicated on the plus strand (T on the coding strand, the reverse complement: CFI is on the minus strand); the first of 7 consecutive A bases (chr4:109,764,698-109,764,704); duplicating any one gives the same sequence. VCF-style (leftmost placement, unchanged base first): chr4-109764697-T-TA. GRCh37 (hg19) VCF-style: chr4-110685853-T-TA.
Other names: p.?; c.329-8dup (NM_000204.5, NM_000204.4); c.329-14dup (NM_001375282.1, NM_001375280.1, NM_001375281.1 and 5 more transcripts); c.-127-3012dup (NM_001375284.1).
Identifiers: ClinVar variation 1166429 (VCV001166429.10), dbSNP rs754551276, ClinGen allele CA3042296.